The following is an entry in ClinVar:

ClinVar aggregate classification (germline): Uncertain significance (1 of 4 stars; one submission).

Conditions:
Hereditary sensory and autonomic neuropathy with spastic paraplegia (HSNSP). Identifiers: Orphanet 139578, MedGen C1850395, MONDO:0009748, OMIM 256840.

Allele frequency attached by ClinVar (database versions not stated): gnomAD 0.00001; ExAC 0.00002; gnomAD exomes 0.00002.
gnomAD v4.1: 24 of 1,614,024 alleles (0.0015%); highest among the groups gnomAD compares: South Asian, 0.0033%; no homozygotes.

Submission:

Labcorp Genetics (formerly Invitae), Labcorp
Classification: Uncertain significance for Hereditary sensory and autonomic neuropathy with spastic paraplegia. Last evaluated: 2022-06-08. Review status: criteria provided, single submitter. Criteria: Invitae Variant Classification Sherloc (09022015). Collection method: clinical testing. Allele origin: germline.
Comment: This variant has not been reported in the literature in individuals affected with CCT5-related conditions. This sequence change replaces valine, which is neutral and non-polar, with isoleucine, which is neutral and non-polar, at codon 342 of the CCT5 protein (p.Val342Ile). This variant is present in population databases (rs777159469, gnomAD 0.003%). Algorithms developed to predict the effect of missense changes on protein structure and function are either unavailable or do not agree on the potential impact of this missense change (SIFT: "Deleterious"; PolyPhen-2: "Not Available"; Align-GVGD: "Class C25"). In summary, the available evidence is currently insufficient to determine the role of this variant in disease. Therefore, it has been classified as a Variant of Uncertain Significance.

NM_012073.5(CCT5):c.1024G>A (p.Val342Ile)

Gene: CCT5 (chaperonin containing TCP1 subunit 5; plus strand). Cytogenetic location: 5p15.2.
Variant type: single nucleotide variant.
Coding change: c.1024G>A on transcript NM_012073.5 (MANE Select); coding-DNA position 1024, G replaced by A.
Protein change: p.Val342Ile; replaces valine 342 with isoleucine.
Molecular consequence: missense variant.
Genome position (GRCh38, 1-based): chr5:10,261,590, G>A. VCF-style: chr5-10261590-G-A. GRCh37 (hg19) VCF-style: chr5-10261702-G-A.
Other names: c.961G>A, p.Val321Ile (NM_001306153.1); c.859G>A, p.Val287Ile (NM_001306154.2); c.745G>A, p.Val249Ile (NM_001306155.2); c.910G>A, p.Val304Ile (NM_001306156.2); short protein forms V249I, V287I, V342I, V304I, V321I.
Identifiers: ClinVar variation 2152169 (VCV002152169.4), dbSNP rs777159469, ClinGen allele CA3198237.